The following is an entry in ClinVar:

NM_002055.5(GFAP):c.620A>T (p.Glu207Val)

Gene: GFAP (glial fibrillary acidic protein; minus strand). Cytogenetic location: 17q21.31.
Variant type: single nucleotide variant.
Coding change: c.620A>T on transcript NM_002055.5 (MANE Select); coding-DNA position 620, A replaced by T.
Protein change: p.Glu207Val; replaces glutamic acid 207 with valine.
Molecular consequence: missense variant.
Genome position (GRCh38, 1-based): chr17:44,913,429, T>A on the plus strand (A>T on the coding strand, the complement: GFAP is on the minus strand). VCF-style: chr17-44913429-T-A. GRCh37 (hg19) VCF-style: chr17-42990797-T-A.
Other names: c.620A>T, p.Glu207Val (NM_001131019.3, NM_001242376.3, NM_001363846.2); short protein forms E207V.
Identifiers: ClinVar variation 432125 (VCV000432125.7), dbSNP rs1555574517, ClinGen allele CA399846150.

ClinVar aggregate classification (germline): Conflicting classifications of pathogenicity. Review status: criteria provided, conflicting classifications (1 of 4 stars). 2 submissions from 2 submitters: Likely pathogenic (1); Uncertain significance (1). Last evaluated 2022-04-08.

Submissions (2):

Labcorp Genetics (formerly Invitae), Labcorp
Classification: Uncertain significance. Last evaluated: 2022-04-08. Review status: criteria provided, single submitter. Criteria: Invitae Variant Classification Sherloc (09022015). Collection method: clinical testing. Allele origin: germline.
Comment: This sequence change replaces glutamic acid, which is acidic and polar, with valine, which is neutral and non-polar, at codon 207 of the GFAP protein (p.Glu207Val). This variant is not present in population databases (gnomAD no frequency). This missense change has been observed in individual(s) with Alexander disease (PMID: 29095329). ClinVar contains an entry for this variant (Variation ID: 432125). Algorithms developed to predict the effect of missense changes on protein structure and function (SIFT, PolyPhen-2, Align-GVGD) all suggest that this variant is likely to be disruptive. Algorithms developed to predict the effect of sequence changes on RNA splicing suggest that this variant may disrupt the consensus splice site. This variant disrupts the p.Glu207 amino acid residue in GFAP. Other variant(s) that disrupt this residue have been determined to be pathogenic (PMID: 15732097). This suggests that this residue is clinically significant, and that variants that disrupt this residue are likely to be disease-causing. In summary, the available evidence is currently insufficient to determine the role of this variant in disease. Therefore, it has been classified as a Variant of Uncertain Significance.

GeneDx
Classification: Likely pathogenic. Last evaluated: 2016-03-23. Review status: criteria provided, single submitter. Criteria: GeneDx Variant Classification (06012015). Collection method: clinical testing. Allele origin: germline. Affected: yes.
Comment: The E207V variant in the GFAP gene has not been reported previously as a pathogenic variant, nor as a benign variant, to our knowledge. The E207V variant was not observed in approximately 6500 individuals of European and African American ancestry in the NHLBI Exome Sequencing Project, indicating it is not a common benign variant in these populations. The E207V variant is a non-conservative amino acid substitution, which is likely to impact secondary protein structure as these residues differ in polarity, charge, size and/or other properties. This substitution occurs at a position that is conserved across species. In silico analysis predicts this variant is probably damaging to the protein structure/function. Pathogenic missense variants in the same residue (E207K, E207Q) have been reported in the Human Gene Mutation Database in association with Alexander disease (Stenson et al., 2014), supporting the functional importance of this residue. The E207V variant is a strong candidate for a pathogenic variant, however the possibility it may be a rare benign variant cannot be excluded.

Literature cited by the submitters: PubMed 29095329 (cited by Labcorp Genetics (formerly Invitae), Labcorp); PubMed 15732097 (cited by Labcorp Genetics (formerly Invitae), Labcorp).